The following is an entry in ClinVar:

NM_000393.5(COL5A2):c.1373C>G (p.Thr458Ser)

Gene: COL5A2 (collagen type V alpha 2 chain; minus strand). Cytogenetic location: 2q32.2.
Variant type: single nucleotide variant.
Coding change: c.1373C>G on transcript NM_000393.5 (MANE Select); coding-DNA position 1373, C replaced by G.
Protein change: p.Thr458Ser; replaces threonine 458 with serine.
Molecular consequence: missense variant.
Genome position (GRCh38, 1-based): chr2:189,068,043, G>C on the plus strand (C>G on the coding strand, the complement: COL5A2 is on the minus strand). VCF-style: chr2-189068043-G-C. GRCh37 (hg19) VCF-style: chr2-189932769-G-C.
Other names: p.T458S:ACT>AGT; short protein forms T458S.
Identifiers: ClinVar variation 213095 (VCV000213095.3), dbSNP rs863223489, ClinGen allele CA320992.
Genomic context (GRCh38, chr2:189,068,043, plus strand): 5'-TAAAGGATGATAGTTCTTTCAAAGGTCATTACCGGTTGGCCTCGAATTCCCTGAGGACCA[G>C]TGCTACCCTGAGGTCCTGGAGATCCAGGAGGCCCTGCTGAGCCAGGAGGACCAGAGGTAC-3'
Protein context (NP_000384.2, residues 448-468): PPGSPGPQGS[Thr458Ser]GPQGIRGQPG

ClinVar aggregate classification (germline): Uncertain significance (1 of 4 stars; one submission).

Allele frequency attached by ClinVar (database versions not stated): TOPMed 0.00002 and 0.00003.

Submission:

GeneDx
Classification: Uncertain significance. Last evaluated: 2022-11-10. Review status: criteria provided, single submitter. Criteria: GeneDx Variant Classification Process June 2021. Collection method: clinical testing. Allele origin: germline. Affected: yes.
Comment: Not observed at significant frequency in large population cohorts (gnomAD); In silico analysis supports that this missense variant does not alter protein structure/function; Has not been previously published as pathogenic or benign to our knowledge